The following is an entry in ClinVar:

ClinVar aggregate classification (germline): Uncertain significance. Review status: criteria provided, multiple submitters, no conflicts (2 of 4 stars). 2 submissions from 2 submitters: Uncertain significance (2). Last evaluated 2024-04-08.

Conditions:
Hermansky-Pudlak syndrome 2 (HPS2). Also called: Platelet defects and oculocutaneous albinism. Identifiers: Orphanet 183678, Orphanet 79430, MedGen C1842362, MONDO:0011997, OMIM 608233.

Submissions (2):

Labcorp Genetics (formerly Invitae), Labcorp
Classification: Uncertain significance for Hermansky-Pudlak syndrome 2. Last evaluated: 2024-04-08. Review status: criteria provided, single submitter. Criteria: Invitae Variant Classification Sherloc (09022015). Collection method: clinical testing. Allele origin: germline.
Comment: This sequence change replaces alanine, which is neutral and non-polar, with valine, which is neutral and non-polar, at codon 604 of the AP3B1 protein (p.Ala604Val). This variant is not present in population databases (gnomAD no frequency). This variant has not been reported in the literature in individuals affected with AP3B1-related conditions. ClinVar contains an entry for this variant (Variation ID: 1302687). An algorithm developed to predict the effect of missense changes on protein structure and function (PolyPhen-2) suggests that this variant is likely to be tolerated. In summary, the available evidence is currently insufficient to determine the role of this variant in disease. Therefore, it has been classified as a Variant of Uncertain Significance.

GeneDx
Classification: Uncertain significance. Last evaluated: 2019-05-21. Review status: criteria provided, single submitter. Criteria: GeneDx Variant Classification Process June 2021. Collection method: clinical testing. Allele origin: germline. Affected: yes.
Comment: Not observed at a significant frequency in large population cohorts (Lek et al., 2016); In silico analysis, which includes protein predictors and evolutionary conservation, supports a deleterious effect; Has not been previously published as pathogenic or benign to our knowledge

NM_003664.5(AP3B1):c.1811C>T (p.Ala604Val)

Gene: AP3B1 (adaptor related protein complex 3 subunit beta 1; minus strand). Cytogenetic location: 5q14.1.
Variant type: single nucleotide variant.
Coding change: c.1811C>T on transcript NM_003664.5 (MANE Select); coding-DNA position 1811, C replaced by T.
Protein change: p.Ala604Val; replaces alanine 604 with valine.
Molecular consequence: missense variant.
Genome position (GRCh38, 1-based): chr5:78,129,147, G>A on the plus strand (C>T on the coding strand, the complement: AP3B1 is on the minus strand). VCF-style: chr5-78129147-G-A. GRCh37 (hg19) VCF-style: chr5-77424971-G-A.
Other names: c.1664C>T, p.Ala555Val (NM_001271769.2); short protein forms A555V, A604V.
Identifiers: ClinVar variation 1302687 (VCV001302687.5), dbSNP rs2112300913, ClinGen allele CA360187508.